The following is an entry in ClinVar:

ClinVar aggregate classification (germline): Uncertain significance (1 of 4 stars; one submission).

Allele frequency attached by ClinVar (database versions not stated): gnomAD exomes below 0.00001.
gnomAD v4.1: 1 of 1,610,496 alleles (0.000062%); highest among the groups gnomAD compares: Non-Finnish European, 0.000085%; no homozygotes.

Submission:

CeGaT Center for Human Genetics Tuebingen
Classification: Uncertain significance. Last evaluated: 2023-09-01. Review status: criteria provided, single submitter. Criteria: CeGaT Center For Human Genetics Tuebingen Variant Classification Criteria Version 2. Collection method: clinical testing. Allele origin: germline. Affected: yes. Observed: 1 variant allele.
Comment: ADGRV1: PM2

NM_032119.4(ADGRV1):c.10939A>C (p.Asn3647His)

Gene: ADGRV1 (adhesion G protein-coupled receptor V1; plus strand). Cytogenetic location: 5q14.3.
Variant type: single nucleotide variant.
Coding change: c.10939A>C on transcript NM_032119.4 (MANE Select); coding-DNA position 10939, A replaced by C.
Protein change: p.Asn3647His; replaces asparagine 3647 with histidine.
Molecular consequence: missense variant. On other transcripts: non-coding transcript variant (1).
Genome position (GRCh38, 1-based): chr5:90,745,760, A>C. VCF-style: chr5-90745760-A-C. GRCh37 (hg19) VCF-style: chr5-90041577-A-C.
Other names: short protein forms N3647H.
Identifiers: ClinVar variation 2655587 (VCV002655587.24), dbSNP rs2531547824, ClinGen allele CA360409570.